The following is an entry in ClinVar:

ClinVar aggregate classification (germline): Likely benign. Review status: criteria provided, multiple submitters, no conflicts (2 of 4 stars). 3 submissions from 3 submitters: Likely benign (3). Last evaluated 2026-08-01.

Allele frequency attached by ClinVar (database versions not stated): 1000 Genomes Project 0.00060; 1000 Genomes Project 30x 0.00062; ESP Exome Variant Server 0.00092; ExAC 0.00102; gnomAD 0.00104; TOPMed 0.00134; gnomAD exomes 0.00159.
gnomAD v4.1: 2,479 of 1,613,524 alleles (0.15%); highest among the groups gnomAD compares: Non-Finnish European, 0.19%; 9 homozygotes.

Submissions (3):

CeGaT Center for Human Genetics Tuebingen
Classification: Likely benign. Last evaluated: 2026-08-01. Review status: criteria provided, single submitter. Criteria: CeGaT Center For Human Genetics Tuebingen Variant Classification Criteria Version 2. Collection method: clinical testing. Allele origin: germline. Affected: yes. Observed: 3 variant alleles.
Comment: P2RY12: BP4, BP7

Labcorp Genetics (formerly Invitae), Labcorp
Classification: Likely benign. Last evaluated: 2026-01-19. Review status: criteria provided, single submitter. Criteria: Invitae Variant Classification Sherloc (09022015). Collection method: clinical testing. Allele origin: germline.

Blueprint Genetics
Classification: Likely benign. Last evaluated: 2024-11-04. Review status: criteria provided, single submitter. Criteria: ACMG Guidelines, 2015. Collection method: clinical testing. Allele origin: germline.

NM_022788.5(P2RY12):c.12C>T (p.Val4=)

Genes: MED12L (mediator complex subunit 12L; plus strand), P2RY12 (purinergic receptor P2Y12; minus strand). Cytogenetic location: 3q25.1.
Variant type: single nucleotide variant.
Coding change: c.12C>T on transcript NM_022788.5 (MANE Select); coding-DNA position 12, C replaced by T.
Protein change: p.Val4=; no amino-acid change (valine 4 retained).
Molecular consequence: synonymous variant. On other transcripts: intron variant (2).
Genome position (GRCh38, 1-based): chr3:151,338,834, G>A on the plus strand (C>T on the coding strand, the complement: P2RY12 is on the minus strand). VCF-style: chr3-151338834-G-A. GRCh37 (hg19) VCF-style: chr3-151056622-G-A.
Other names: c.12C>T, p.Val4= (NM_176876.3); c.2251-11225G>A (NM_001393769.1); c.2146-11225G>A (NM_053002.6).
Identifiers: ClinVar variation 2045532 (VCV002045532.26), dbSNP rs41267893, ClinGen allele CA2667923.